The following is an entry in ClinVar:

NM_001040142.2(SCN2A):c.3037G>A (p.Gly1013Arg)

Gene: SCN2A (sodium voltage-gated channel alpha subunit 2; plus strand). Cytogenetic location: 2q24.3.
Variant type: single nucleotide variant.
Coding change: c.3037G>A on transcript NM_001040142.2 (MANE Select); coding-DNA position 3037, G replaced by A.
Protein change: p.Gly1013Arg; replaces glycine 1013 with arginine.
Molecular consequence: missense variant.
Genome position (GRCh38, 1-based): chr2:165,354,309, G>A. VCF-style: chr2-165354309-G-A. GRCh37 (hg19) VCF-style: chr2-166210819-G-A.
Other names: c.3037G>A, p.Gly1013Arg (NM_001040143.2, NM_001371246.1, NM_001371247.1 and 1 more transcripts); c.3037G>A (NM_021007.2); short protein forms G1013R.
Identifiers: ClinVar variation 2935529 (VCV002935529.4), dbSNP rs780508905, ClinGen allele CA1940049.

ClinVar aggregate classification (germline): Uncertain significance. Review status: criteria provided, multiple submitters, no conflicts (2 of 4 stars). 2 submissions from 2 submitters: Uncertain significance (2). Last evaluated 2025-08-15.

Conditions:
Seizures, benign familial infantile, 3 (BFIS3). Also called: CONVULSIONS, BENIGN FAMILIAL INFANTILE, 3; Familial neonatal seizures. Identifiers: Orphanet 140927, Orphanet 306, MedGen C1843140, MONDO:0011904, OMIM 607745.
Developmental and epileptic encephalopathy, 11 (DEE11). Also called: Early infantile epileptic encephalopathy 11. Identifiers: Orphanet 1934, MedGen C3150987, MONDO:0013388, OMIM 613721.

Allele frequency attached by ClinVar (database versions not stated): gnomAD exomes below 0.00001; ExAC 0.00001.

Submissions (2):

Labcorp Genetics (formerly Invitae), Labcorp
Classification: Uncertain significance for Seizures, benign familial infantile, 3; Developmental and epileptic encephalopathy, 11. Last evaluated: 2025-08-15. Review status: criteria provided, single submitter. Criteria: Invitae Variant Classification Sherloc (09022015). Collection method: clinical testing. Allele origin: germline.
Comment: This sequence change replaces glycine, which is neutral and non-polar, with arginine, which is basic and polar, at codon 1013 of the SCN2A protein (p.Gly1013Arg). This variant is present in population databases (rs780508905, gnomAD 0.006%). This variant has not been reported in the literature in individuals affected with SCN2A-related conditions. ClinVar contains an entry for this variant (Variation ID: 2935529). Invitae Evidence Modeling of protein sequence and biophysical properties (such as structural, functional, and spatial information, amino acid conservation, physicochemical variation, residue mobility, and thermodynamic stability) indicates that this missense variant is expected to disrupt SCN2A protein function with a positive predictive value of 95%. In summary, the available evidence is currently insufficient to determine the role of this variant in disease. Therefore, it has been classified as a Variant of Uncertain Significance.

GeneDx
Classification: Uncertain significance. Last evaluated: 2024-05-16. Review status: criteria provided, single submitter. Criteria: GeneDx Variant Classification Process June 2021. Collection method: clinical testing. Allele origin: germline. Affected: yes.
Comment: In silico analysis supports that this missense variant has a deleterious effect on protein structure/function; Has not been previously published as pathogenic or benign to our knowledge; This substitution is predicted to be in the cytoplasmic loop between the second and third homologous domains